The following is an entry in ClinVar:

NM_017780.4(CHD7):c.3988C>T (p.Arg1330Trp)

Gene: CHD7 (chromodomain helicase DNA binding protein 7; plus strand). Cytogenetic location: 8q12.2.
Variant type: single nucleotide variant.
Coding change: c.3988C>T on transcript NM_017780.4 (MANE Select); coding-DNA position 3988, C replaced by T.
Protein change: p.Arg1330Trp; replaces arginine 1330 with tryptophan.
Molecular consequence: missense variant. On other transcripts: intron variant (1).
Genome position (GRCh38, 1-based): chr8:60,836,282, C>T. VCF-style: chr8-60836282-C-T. GRCh37 (hg19) VCF-style: chr8-61748841-C-T.
Other names: c.1717-25947C>T (NM_001316690.1); short protein forms R1330W.
Identifiers: ClinVar variation 529138 (VCV000529138.24), dbSNP rs369542138, ClinGen allele CA4760047.

ClinVar aggregate classification (germline): Conflicting classifications of pathogenicity. Review status: criteria provided, conflicting classifications (1 of 4 stars). 7 submissions from 7 submitters: Uncertain significance (4); Likely benign (3). Last evaluated 2026-05-21.

Conditions:
Hypogonadotropic hypogonadism 5 with or without anosmia (KAL5). Also called: HYPOGONADOTROPIC HYPOGONADISM 5 WITH ANOSMIA; HYPOGONADOTROPHIC HYPOGONADISM 5 WITHOUT ANOSMIA; CHD7-Related GnRH Deficiency (Kallmann Syndrome 5). Identifiers: Orphanet 478, MedGen C3552553, MONDO:0012880, OMIM 612370. Disease mechanism: loss of function.
CHARGE syndrome (CHARGE). Also called: Hittner Hirsch Kreh syndrome; Coloboma, heart anomaly, choanal atresia, retardation, genital and ear anomalies; CHARGE association; Hall-Hittner syndrome; CHARGE ASSOCIATION--COLOBOMA, HEART ANOMALY, CHOANAL ATRESIA, RETARDATION, GENITAL AND EAR ANOMALIES. Identifiers: Orphanet 138, MedGen C0265354, MONDO:0008965.
CHD7-related disorder. Also called: CHD7-related condition.
Inborn genetic diseases. Identifiers: MedGen C0950123, MeSH D030342.

Allele frequency attached by ClinVar (database versions not stated): gnomAD exomes 0.00003 and 0.00011; ExAC 0.00012; ESP Exome Variant Server 0.00016; gnomAD 0.00016; TOPMed 0.00016; 1000 Genomes Project 30x 0.00047; 1000 Genomes Project 0.00060.

Submissions (7):

Ambry Genetics
Classification: Likely benign for Inborn genetic diseases. Last evaluated: 2026-05-21. Review status: criteria provided, single submitter. Criteria: Ambry Variant Classification Scheme 2023. Collection method: clinical testing. Allele origin: germline.

Labcorp Genetics (formerly Invitae), Labcorp
Classification: Uncertain significance for CHARGE syndrome. Last evaluated: 2026-01-04. Review status: criteria provided, single submitter. Criteria: Invitae Variant Classification Sherloc (09022015). Collection method: clinical testing. Allele origin: germline.
Comment: This sequence change replaces arginine, which is basic and polar, with tryptophan, which is neutral and slightly polar, at codon 1330 of the CHD7 protein (p.Arg1330Trp). This variant is present in population databases (rs369542138, gnomAD 0.06%), and has an allele count higher than expected for a pathogenic variant. This variant has not been reported in the literature in individuals affected with CHD7-related conditions. ClinVar contains an entry for this variant (Variation ID: 529138). An algorithm developed to predict the effect of missense changes on protein structure and function (PolyPhen-2) suggests that this variant is likely to be disruptive. In summary, the available evidence is currently insufficient to determine the role of this variant in disease. Therefore, it has been classified as a Variant of Uncertain Significance.

PreventionGenetics, part of Exact Sciences
Classification: Likely benign for CHD7-related condition. Last evaluated: 2025-03-05. Review status: criteria provided, single submitter. Criteria: ACMG Guidelines, 2015. Collection method: clinical testing. Allele origin: germline.
Comment: This variant is classified as likely benign based on ACMG/AMP sequence variant interpretation guidelines (Richards et al. 2015 PMID: 25741868, with internal and published modifications).

Blueprint Genetics
Classification: Likely benign. Last evaluated: 2022-09-15. Review status: criteria provided, single submitter. Criteria: ACMG Guidelines, 2015. Collection method: clinical testing. Allele origin: germline.

Revvity Omics, Revvity
Classification: Uncertain significance. Last evaluated: 2022-06-20. Review status: criteria provided, single submitter. Criteria: ACMG Guidelines, 2015. Collection method: clinical testing. Allele origin: germline.

Fulgent Genetics
Classification: Uncertain significance for CHD7-related CHARGE syndrome; Hypogonadotropic hypogonadism 5 with or without anosmia. Last evaluated: 2022-03-24. Review status: criteria provided, single submitter. Criteria: ACMG Guidelines, 2015. Collection method: clinical testing. Allele origin: unknown.

Mayo Clinic Laboratories, Mayo Clinic
Classification: Uncertain significance. Last evaluated: 2020-09-01. Review status: criteria provided, single submitter. Criteria: ACMG Guidelines, 2015. Collection method: clinical testing. Allele origin: germline. Observed: 1 variant allele.